The following is an entry in ClinVar:

ClinVar aggregate classification (germline): Uncertain significance. Review status: criteria provided, multiple submitters, no conflicts (2 of 4 stars). 2 submissions from 2 submitters: Uncertain significance (2). Last evaluated 2025-01-01.

Conditions:
Adams-Oliver syndrome 5 (AOS5). Identifiers: Orphanet 974, MedGen C4014970, MONDO:0014459, OMIM 616028.

Allele frequency attached by ClinVar (database versions not stated): gnomAD exomes below 0.00001; ExAC 0.00001.
gnomAD v4.1: 3 of 1,608,092 alleles (0.00019%); highest among the groups gnomAD compares: African/African-American, 0.0013%; no homozygotes.

Submissions (2):

Labcorp Genetics (formerly Invitae), Labcorp
Classification: Uncertain significance for Adams-Oliver syndrome 5. Last evaluated: 2025-01-01. Review status: criteria provided, single submitter. Criteria: Invitae Variant Classification Sherloc (09022015). Collection method: clinical testing. Allele origin: germline.
Comment: This sequence change replaces valine, which is neutral and non-polar, with isoleucine, which is neutral and non-polar, at codon 1110 of the NOTCH1 protein (p.Val1110Ile). This variant is present in population databases (rs778969906, gnomAD 0.0009%). This variant has not been reported in the literature in individuals affected with NOTCH1-related conditions. ClinVar contains an entry for this variant (Variation ID: 1810055). An algorithm developed to predict the effect of missense changes on protein structure and function outputs the following: PolyPhen-2: "Benign". The isoleucine amino acid residue is found in multiple mammalian species, which suggests that this missense change does not adversely affect protein function. In summary, the available evidence is currently insufficient to determine the role of this variant in disease. Therefore, it has been classified as a Variant of Uncertain Significance.

GeneDx
Classification: Uncertain significance. Last evaluated: 2022-06-30. Review status: criteria provided, single submitter. Criteria: GeneDx Variant Classification Process June 2021. Collection method: clinical testing. Allele origin: germline. Affected: yes.
Comment: Not observed at significant frequency in large population cohorts (gnomAD); In silico analysis supports that this missense variant does not alter protein structure/function; Has not been previously published as pathogenic or benign to our knowledge

NM_017617.5(NOTCH1):c.3328G>A (p.Val1110Ile)

Gene: NOTCH1 (notch receptor 1; minus strand). Cytogenetic location: 9q34.3.
Variant type: single nucleotide variant.
Coding change: c.3328G>A on transcript NM_017617.5 (MANE Select); coding-DNA position 3328, G replaced by A.
Protein change: p.Val1110Ile; replaces valine 1110 with isoleucine.
Molecular consequence: missense variant.
Genome position (GRCh38, 1-based): chr9:136,508,137, C>T on the plus strand (G>A on the coding strand, the complement: NOTCH1 is on the minus strand). VCF-style: chr9-136508137-C-T. GRCh37 (hg19) VCF-style: chr9-139402589-C-T.
Other names: short protein forms V1110I.
Identifiers: ClinVar variation 1810055 (VCV001810055.3), dbSNP rs778969906, ClinGen allele CA5340956.